The following is an entry in ClinVar:

ClinVar aggregate classification (germline): Pathogenic (1 of 4 stars; one submission).

Submission:

Labcorp Genetics (formerly Invitae), Labcorp
Classification: Pathogenic. Last evaluated: 2022-07-14. Review status: criteria provided, single submitter. Criteria: Invitae Variant Classification Sherloc (09022015). Collection method: clinical testing. Allele origin: germline.
Comment: For these reasons, this variant has been classified as Pathogenic. ClinVar contains an entry for this variant (Variation ID: 957720). This variant has not been reported in the literature in individuals affected with POLE-related conditions. This variant is not present in population databases (gnomAD no frequency). This sequence change creates a premature translational stop signal (p.Thr26Leufs*28) in the POLE gene. It is expected to result in an absent or disrupted protein product. Loss-of-function variants in POLE are known to be pathogenic (PMID: 23230001, 25948378, 30503519).

Literature cited by the submitters: PubMed 23230001; PubMed 25948378; PubMed 30503519.

NM_006231.4(POLE):c.76del (p.Thr26fs)

Gene: POLE (DNA polymerase epsilon, catalytic subunit; minus strand). Cytogenetic location: 12q24.33.
Variant type: Deletion.
Coding change: c.76del on transcript NM_006231.4 (MANE Select); coding-DNA position 76, one base deleted (A; older notation c.76delA).
Protein change: p.Thr26fs; shifts the reading frame from threonine 26.
Molecular consequence: frameshift variant.
Genome position (GRCh38, 1-based): chr12:132,681,266, T deleted on the plus strand (A on the coding strand, the reverse complement: POLE is on the minus strand). VCF-style (leftmost placement, unchanged base first): chr12-132681265-GT-G. GRCh37 (hg19) VCF-style: chr12-133257851-GT-G.
Other names: short protein forms T26fs.
Identifiers: ClinVar variation 957720 (VCV000957720.9), dbSNP rs2043162254, ClinGen allele CA1139662992.